The following is an entry in ClinVar:

ClinVar aggregate classification (germline): Likely benign. Review status: criteria provided, single submitter (1 of 4 stars). 2 submissions from 2 submitters: Likely benign (1). 1 of the submissions does not count toward it. Last evaluated 2025-01-10.

Conditions:
TNS2-related disorder. Also called: TNS2-related condition.

Allele frequency attached by ClinVar (database versions not stated): TOPMed 0.00005; gnomAD 0.00006; gnomAD exomes 0.00010; ExAC 0.00016; 1000 Genomes Project 30x 0.00047; 1000 Genomes Project 0.00060.
gnomAD v4.1: 156 of 1,613,218 alleles (0.0097%); highest among the groups gnomAD compares: East Asian, 0.34%; no homozygotes.

Submissions (2):

Labcorp Genetics (formerly Invitae), Labcorp
Classification: Likely benign. Last evaluated: 2025-01-10. Review status: criteria provided, single submitter. Criteria: Invitae Variant Classification Sherloc (09022015). Collection method: clinical testing. Allele origin: germline.

PreventionGenetics, part of Exact Sciences
Classification: Likely benign for TNS2-related condition. Last evaluated: 2022-12-20. Review status: no assertion criteria provided. Collection method: clinical testing. Allele origin: germline. Not counted in ClinVar's aggregate classification.
Comment: This variant is classified as likely benign based on ACMG/AMP sequence variant interpretation guidelines (Richards et al. 2015 PMID: 25741868, with internal and published modifications).

NM_170754.4(TNS2):c.870G>A (p.Leu290=)

Gene: TNS2 (tensin 2; plus strand). Cytogenetic location: 12q13.13.
Variant type: single nucleotide variant.
Coding change: c.870G>A on transcript NM_170754.4 (MANE Select); coding-DNA position 870, G replaced by A.
Protein change: p.Leu290=; no amino-acid change (leucine 290 retained).
Molecular consequence: synonymous variant.
Genome position (GRCh38, 1-based): chr12:53,057,591, G>A. VCF-style: chr12-53057591-G-A. GRCh37 (hg19) VCF-style: chr12-53451375-G-A.
Other names: c.870G>A, p.Leu290= (NM_001416202.1, NM_001416204.1); c.801G>A, p.Leu267= (NM_001416203.1, NM_015319.3); c.498G>A, p.Leu166= (NM_198316.2).
Identifiers: ClinVar variation 3032835 (VCV003032835.4), dbSNP rs148121884, ClinGen allele CA6592102.